The following is an entry in ClinVar:

NM_002972.4(SBF1):c.4522G>A (p.Val1508Ile)

Gene: SBF1 (SET binding factor 1; minus strand). Cytogenetic location: 22q13.33.
Variant type: single nucleotide variant.
Coding change: c.4522G>A on transcript NM_002972.4 (MANE Select); coding-DNA position 4522, G replaced by A.
Protein change: p.Val1508Ile; replaces valine 1508 with isoleucine.
Molecular consequence: missense variant.
Genome position (GRCh38, 1-based): chr22:50,455,256, C>T on the plus strand (G>A on the coding strand, the complement: SBF1 is on the minus strand). VCF-style: chr22-50455256-C-T. GRCh37 (hg19) VCF-style: chr22-50893685-C-T.
Other names: c.4447G>A, p.Val1483Ile (NM_001365819.1); c.4522G>A (NM_002972.2); short protein forms V1508I, V1483I.
Identifiers: ClinVar variation 1383408 (VCV001383408.4), dbSNP rs371044439, ClinGen allele CA10316235.
Genomic context (GRCh38, chr22:50,455,256, plus strand): 5'-CGGCCCACCCACACAGCGGCCTGCCCACCTGGTGTACGCAGTCCAGGAACTGCAGGAAGA[C>T]GGGTGTGAAGCCGCTGCTCTGCCCGGCCAGGGTGTGAGCTCCACGGTGGCTGAAGCGATG-3'
Protein context (NP_002963.2, residues 1498-1518): LAGQSSGFTP[Val1508Ile]FLQFLDCVHQ

ClinVar aggregate classification (germline): Uncertain significance. Review status: criteria provided, multiple submitters, no conflicts (2 of 4 stars). 2 submissions from 2 submitters: Uncertain significance (2). Last evaluated 2025-02-13.

Allele frequency attached by ClinVar (database versions not stated): gnomAD 0.00001; ESP Exome Variant Server 0.00008; TOPMed 0.00002; ExAC 0.00001; gnomAD exomes 0.00002.
gnomAD v4.1: 20 of 1,612,990 alleles (0.0012%); highest among the groups gnomAD compares: South Asian, 0.012%; no homozygotes.

Submissions (2):

Ambry Genetics
Classification: Uncertain significance. Last evaluated: 2025-02-13. Review status: criteria provided, single submitter. Criteria: Ambry Variant Classification Scheme 2023. Collection method: clinical testing. Allele origin: germline.

Labcorp Genetics (formerly Invitae), Labcorp
Classification: Uncertain significance. Last evaluated: 2022-06-10. Review status: criteria provided, single submitter. Criteria: Invitae Variant Classification Sherloc (09022015). Collection method: clinical testing. Allele origin: germline.
Comment: This sequence change replaces valine, which is neutral and non-polar, with isoleucine, which is neutral and non-polar, at codon 1508 of the SBF1 protein (p.Val1508Ile). This variant is present in population databases (rs371044439, gnomAD 0.01%). This variant has not been reported in the literature in individuals affected with SBF1-related conditions. Algorithms developed to predict the effect of missense changes on protein structure and function output the following: SIFT: "Tolerated"; PolyPhen-2: "Benign"; Align-GVGD: "Class C0". The isoleucine amino acid residue is found in multiple mammalian species, which suggests that this missense change does not adversely affect protein function. In summary, the available evidence is currently insufficient to determine the role of this variant in disease. Therefore, it has been classified as a Variant of Uncertain Significance.